The following is an entry in ClinVar:

ClinVar aggregate classification (germline): Uncertain significance (1 of 4 stars; one submission).

Conditions:
Cardiovascular phenotype. Identifiers: MedGen CN230736.

gnomAD v4.1: 4 of 1,613,226 alleles (0.00025%); highest among the groups gnomAD compares: South Asian, 0.0011%; no homozygotes.

Submission:

Ambry Genetics
Classification: Uncertain significance for Cardiovascular phenotype. Last evaluated: 2025-06-10. Review status: criteria provided, single submitter. Criteria: Ambry Variant Classification Scheme 2023. Collection method: clinical testing. Allele origin: germline.
Comment: The p.G364V variant (also known as c.1091G>T), located in coding exon 10 of the PRDM5 gene, results from a G to T substitution at nucleotide position 1091. The glycine at codon 364 is replaced by valine, an amino acid with dissimilar properties. This amino acid position is conserved. In addition, this alteration is predicted to be tolerated by in silico analysis. Since supporting evidence is limited at this time, the clinical significance of this alteration remains unclear.

NM_018699.4(PRDM5):c.1091G>T (p.Gly364Val)

Gene: PRDM5 (PR/SET domain 5; minus strand). Cytogenetic location: 4q27.
Variant type: single nucleotide variant.
Coding change: c.1091G>T on transcript NM_018699.4 (MANE Select); coding-DNA position 1091, G replaced by T.
Protein change: p.Gly364Val; replaces glycine 364 with valine.
Molecular consequence: missense variant.
Genome position (GRCh38, 1-based): chr4:120,798,364, C>A on the plus strand (G>T on the coding strand, the complement: PRDM5 is on the minus strand). VCF-style: chr4-120798364-C-A. GRCh37 (hg19) VCF-style: chr4-121719519-C-A.
Other names: c.998G>T, p.Gly333Val (NM_001300823.2, NM_001300824.2, NM_001379106.1); c.1124G>T, p.Gly375Val (NM_001379104.1); short protein forms G375V, G333V, G364V.
Identifiers: ClinVar variation 2565116 (VCV002565116.4), dbSNP rs1290624544, ClinGen allele CA358210228.